The following is an entry in ClinVar:

ClinVar aggregate classification (germline): Benign. Review status: reviewed by expert panel (3 of 4 stars). 12 submissions from 12 submitters: Benign (1). 11 of the submissions do not count toward it. Last evaluated 2017-04-18.

Conditions:
Noonan syndrome and Noonan-related syndrome. Identifiers: Orphanet 98733, MedGen C5681679, MONDO:0020297.
Cardiovascular phenotype. Identifiers: MedGen CN230736.
RASopathy. Also called: rasopathies; Noonan spectrum disorder. Identifiers: Orphanet 536391, MedGen C5555857, MONDO:0021060.
Noonan syndrome-like disorder with loose anagen hair 1 (NSLH1). Also called: TOSTI SYNDROME; MAZZANTI SYNDROME. Identifiers: Orphanet 2701, MedGen C4478716, MONDO:0054637, OMIM 607721.

Allele frequency attached by ClinVar (database versions not stated): gnomAD exomes 0.00034 and 0.00090; gnomAD 0.00398 and 0.00423; TOPMed 0.00438; 1000 Genomes Project 0.00439; ESP Exome Variant Server 0.00484; 1000 Genomes Project 30x 0.00562; ExAC 0.00119.
gnomAD v4.1: 1,118 of 1,614,080 alleles (0.069%); highest among the groups gnomAD compares: African/African-American, 1.3%; 6 homozygotes.

Submissions (12):

ClinGen RASopathy Variant Curation Expert Panel
Classification: Benign for Noonan syndrome and Noonan-related syndrome. Last evaluated: 2017-04-18. Review status: reviewed by expert panel. Criteria: ClinGen RASopathy ACMG Specifications v1. Collection method: curation. Allele origin: germline. Inheritance: Autosomal dominant inheritance.
Comment: The filtering allele frequency of the c.1594A>G (p.Ser532Gly) variant in the SHOC2 gene is 1.147% (138/10402) of African chromosomes by the Exome Aggregation Consortium, which is a high enough frequency to be classified as benign based on thresholds defined by the ClinGen RASopathy Expert Panel (BA1; PMID:29493581)

Labcorp Genetics (formerly Invitae), Labcorp
Classification: Benign for RASopathy. Last evaluated: 2026-02-02. Review status: criteria provided, single submitter. Criteria: Invitae Variant Classification Sherloc (09022015). Collection method: clinical testing. Allele origin: germline. Not counted in ClinVar's aggregate classification.

Blueprint Genetics
Classification: Benign. Last evaluated: 2024-09-11. Review status: criteria provided, single submitter. Criteria: ACMG Guidelines, 2015. Collection method: clinical testing. Allele origin: germline. Not counted in ClinVar's aggregate classification.

Ambry Genetics
Classification: Benign for Cardiovascular phenotype. Last evaluated: 2022-10-06. Review status: criteria provided, single submitter. Criteria: Ambry Variant Classification Scheme 2023. Collection method: clinical testing. Allele origin: germline. Not counted in ClinVar's aggregate classification.

Fulgent Genetics
Classification: Benign for Noonan syndrome-like disorder with loose anagen hair 1. Last evaluated: 2021-10-14. Review status: criteria provided, single submitter. Criteria: ACMG Guidelines, 2015. Collection method: clinical testing. Allele origin: unknown. Not counted in ClinVar's aggregate classification.

Mayo Clinic Laboratories, Mayo Clinic
Classification: Benign. Last evaluated: 2020-12-16. Review status: criteria provided, single submitter. Criteria: ACMG Guidelines, 2015. Collection method: clinical testing. Allele origin: germline. Observed: 7 variant alleles. Not counted in ClinVar's aggregate classification.

Women's Health and Genetics/Laboratory Corporation of America, LabCorp
Classification: Benign. Last evaluated: 2020-02-17. Review status: criteria provided, single submitter. Criteria: LabCorp Variant Classification Summary - May 2015. Collection method: clinical testing. Allele origin: germline. Not counted in ClinVar's aggregate classification.
Comment: Variant summary: SHOC2 c.1594A>G (p.Ser532Gly) results in a non-conservative amino acid change in the encoded protein sequence. Three of five in-silico tools predict a benign effect of the variant on protein function. The variant allele was found at a frequency of 0.0012 in 282828 control chromosomes, predominantly at a frequency of 0.013 within the African or African-American subpopulation in the gnomAD database, including 3 homozygotes. The observed variant frequency within African or African-American control individuals in the gnomAD database is approximately 520 fold of the estimated maximal expected allele frequency for a pathogenic variant in SHOC2 causing Noonan Syndrome and Related Conditions phenotype (2.5e-05), strongly suggesting that the variant is a benign polymorphism found primarily in populations of African or African-American origin. To our knowledge, no experimental evidence demonstrating its impact on protein function have been reported. Two ClinVar submitters (evaluation after 2014) cite the variant as benign/likely benign. In addition, one expert panel, ClinGen RASopathy Variant Curation Expert Panel, classified this variant as benign after 2014. Based on the evidence outlined above, the variant was classified as benign.

Illumina Laboratory Services, Illumina
Classification: Benign for Noonan syndrome-like disorder with loose anagen hair 1. Last evaluated: 2018-01-13. Review status: criteria provided, single submitter. Criteria: ICSL Variant Classification Criteria 13 December 2019. Collection method: clinical testing. Allele origin: germline. Not counted in ClinVar's aggregate classification.
Comment: This variant was observed in the ICSL laboratory as part of a predisposition screen in an ostensibly healthy population. It had not been previously curated by ICSL or reported in the Human Gene Mutation Database (HGMD: prior to June 1st, 2018), and was therefore a candidate for classification through an automated scoring system. Utilizing variant allele frequency, disease prevalence and penetrance estimates, and inheritance mode, an automated score was calculated to assess if this variant is too frequent to cause the disease. Based on the score and internal cut-off values, a variant classified as benign is not then subjected to further curation. The score for this variant resulted in a classification of benign for this disease.

Genome Diagnostics Laboratory, The Hospital for Sick Children
Classification: Likely benign for Noonan syndrome and Noonan-related syndrome. Last evaluated: 2017-04-07. Review status: criteria provided, single submitter. Criteria: ACMG Guidelines, 2015. Collection method: clinical testing. Allele origin: germline. Not counted in ClinVar's aggregate classification.

GeneDx
Classification: Benign. Last evaluated: 2013-10-22. Review status: criteria provided, single submitter. Criteria: GeneDx Variant Classification (06012015). Collection method: clinical testing. Allele origin: germline. Affected: yes. Not counted in ClinVar's aggregate classification.
Comment: This variant is considered likely benign or benign based on one or more of the following criteria: it is a conservative change, it occurs at a poorly conserved position in the protein, it is predicted to be benign by multiple in silico algorithms, and/or has population frequency not consistent with disease.

Breakthrough Genomics
Classification: Benign. Review status: criteria provided, single submitter. Criteria: ACMG Guidelines, 2015. Collection method: not provided. Allele origin: germline. Inheritance: Autosomal dominant inheritance. Affected: yes. Not counted in ClinVar's aggregate classification.

PreventionGenetics, part of Exact Sciences
Classification: Benign. Review status: criteria provided, single submitter. Criteria: ACMG Guidelines, 2015. Collection method: clinical testing. Allele origin: germline. Not counted in ClinVar's aggregate classification.

NM_007373.4(SHOC2):c.1594A>G (p.Ser532Gly)

Gene: SHOC2 (SHOC2 leucine rich repeat scaffold protein; plus strand). Cytogenetic location: 10q25.2.
Variant type: single nucleotide variant.
Coding change: c.1594A>G on transcript NM_007373.4 (MANE Select); coding-DNA position 1594, A replaced by G.
Protein change: p.Ser532Gly; replaces serine 532 with glycine.
Molecular consequence: missense variant. On other transcripts: non-coding transcript variant (1).
Genome position (GRCh38, 1-based): chr10:111,011,663, A>G. VCF-style: chr10-111011663-A-G. GRCh37 (hg19) VCF-style: chr10-112771421-A-G.
Other names: p.S532G:AGC>GGC; NM_007373.3(SHOC2):c.1594A>G; c.1456A>G, p.Ser486Gly (NM_001269039.3); c.1594A>G, p.Ser532Gly (NM_001324336.2, NM_001324337.2); short protein forms S532G, S486G.
Identifiers: ClinVar variation 139110 (VCV000139110.27), dbSNP rs145463534, ClinGen allele CA293486.